The following is an entry in ClinVar:

ClinVar aggregate classification (germline): Pathogenic (1 of 4 stars; one submission).

Submission:

CeGaT Center for Human Genetics Tuebingen
Classification: Pathogenic. Last evaluated: 2022-05-01. Review status: criteria provided, single submitter. Criteria: CeGaT Center For Human Genetics Tuebingen Variant Classification Criteria Version 2. Collection method: clinical testing. Allele origin: germline. Affected: yes. Observed: 1 variant allele.
Comment: GRN: PVS1, PM2, PP4

NM_002087.4(GRN):c.1558G>T (p.Glu520Ter)

Gene: GRN (granulin precursor; plus strand). Cytogenetic location: 17q21.31.
Variant type: single nucleotide variant.
Coding change: c.1558G>T on transcript NM_002087.4 (MANE Select); coding-DNA position 1558, G replaced by T.
Protein change: p.Glu520Ter; replaces glutamic acid 520 with a stop codon.
Molecular consequence: nonsense.
Genome position (GRCh38, 1-based): chr17:44,352,485, G>T. VCF-style: chr17-44352485-G-T. GRCh37 (hg19) VCF-style: chr17-42429853-G-T.
Other names: short protein forms E520*.
Identifiers: ClinVar variation 1694848 (VCV001694848.31), dbSNP rs2143348249, ClinGen allele CA399770479.